The following is an entry in ClinVar:

NM_000047.3(ARSL):c.1158del (p.Ile387fs)

Gene: ARSL (arylsulfatase L; minus strand). Cytogenetic location: Xp22.33.
Variant type: Deletion.
Coding change: c.1158del on transcript NM_000047.3 (MANE Select); coding-DNA position 1158, one base deleted (G; older notation c.1158delG).
Protein change: p.Ile387fs; shifts the reading frame from isoleucine 387.
Molecular consequence: frameshift variant.
Genome position (GRCh38, 1-based): chrX:2,938,226, C deleted on the plus strand (G on the coding strand, the reverse complement: ARSL is on the minus strand); the first of 3 consecutive C bases (chrX:2,938,226-2,938,228); deleting any one gives the same sequence. VCF-style (leftmost placement, unchanged base first): chrX-2938225-TC-T. GRCh37 (hg19) VCF-style: chrX-2856266-TC-T.
Other names: c.1233del, p.Ile412fs (NM_001282628.2, NM_001369080.1); c.996del, p.Ile333fs (NM_001282631.2); c.1185del, p.Ile396fs (NM_001369079.1); short protein forms I387fs, I396fs, I333fs, I412fs.
Identifiers: ClinVar variation 851645 (VCV000851645.9), dbSNP rs2089231699, ClinGen allele CA916083835.

ClinVar aggregate classification (germline): Pathogenic (1 of 4 stars; one submission).

Conditions:
Chondrodysplasia punctata, brachytelephalangic, autosomal. Also called: BRACHYTELEPHALANGIC CHONDRODYSPLASIA PUNCTATA. Identifiers: MedGen C1844853, MONDO:0011238, OMIM 602497.

Submission:

Labcorp Genetics (formerly Invitae), Labcorp
Classification: Pathogenic for Chondrodysplasia punctata, brachytelephalangic, autosomal. Last evaluated: 2019-12-02. Review status: criteria provided, single submitter. Criteria: Invitae Variant Classification Sherloc (09022015). Collection method: clinical testing. Allele origin: germline.
Comment: This sequence change creates a premature translational stop signal (p.Ile387Serfs*18) in the ARSE gene. It is expected to result in an absent or disrupted protein product. This variant is not present in population databases (ExAC no frequency). For these reasons, this variant has been classified as Pathogenic. Loss-of-function variants in ARSE are known to be pathogenic (PMID: 9497243, 23470839). This variant has not been reported in the literature in individuals with ARSE-related conditions.

Literature cited by the submitters: PubMed 9497243; PubMed 23470839.